The following is an entry in ClinVar:

ClinVar aggregate classification (germline): Uncertain significance (1 of 4 stars; one submission).

Allele frequency attached by ClinVar (database versions not stated): gnomAD exomes below 0.00001; gnomAD 0.00001.
gnomAD v4.1: 2 of 1,614,078 alleles (0.00012%); highest among the groups gnomAD compares: African/African-American, 0.0027%; no homozygotes.

Submission:

Labcorp Genetics (formerly Invitae), Labcorp
Classification: Uncertain significance. Last evaluated: 2023-12-30. Review status: criteria provided, single submitter. Criteria: Invitae Variant Classification Sherloc (09022015). Collection method: clinical testing. Allele origin: germline.
Comment: This sequence change replaces isoleucine, which is neutral and non-polar, with valine, which is neutral and non-polar, at codon 487 of the PRPF6 protein (p.Ile487Val). This variant is not present in population databases (gnomAD no frequency). This variant has not been reported in the literature in individuals affected with PRPF6-related conditions. Advanced modeling of protein sequence and biophysical properties (such as structural, functional, and spatial information, amino acid conservation, physicochemical variation, residue mobility, and thermodynamic stability) performed at Invitae indicates that this missense variant is not expected to disrupt PRPF6 protein function with a negative predictive value of 80%. In summary, the available evidence is currently insufficient to determine the role of this variant in disease. Therefore, it has been classified as a Variant of Uncertain Significance.

NM_012469.4(PRPF6):c.1459A>G (p.Ile487Val)

Gene: PRPF6 (pre-mRNA processing factor 6; plus strand). Cytogenetic location: 20q13.33.
Variant type: single nucleotide variant.
Coding change: c.1459A>G on transcript NM_012469.4 (MANE Select); coding-DNA position 1459, A replaced by G.
Protein change: p.Ile487Val; replaces isoleucine 487 with valine.
Molecular consequence: missense variant.
Genome position (GRCh38, 1-based): chr20:64,011,438, A>G. VCF-style: chr20-64011438-A-G. GRCh37 (hg19) VCF-style: chr20-62642791-A-G.
Other names: short protein forms I487V.
Identifiers: ClinVar variation 2767667 (VCV002767667.3), dbSNP rs2059216786, ClinGen allele CA409727398.